The following is an entry in ClinVar:

NM_001377265.1(MAPT):c.2419G>A (p.Gly807Ser)

Gene: MAPT (microtubule associated protein tau). Cytogenetic location: 17q21.31.
Variant type: single nucleotide variant.
Coding change: c.2419G>A on transcript NM_001377265.1 (MANE Select); coding-DNA position 2419, G replaced by A.
Protein change: p.Gly807Ser; replaces glycine 807 with serine.
Molecular consequence: missense variant. On other transcripts: non-coding transcript variant (1), intron variant (1).
Genome position (GRCh38, 1-based): chr17:46,024,088, G>A. VCF-style: chr17-46024088-G-A. GRCh37 (hg19) VCF-style: chr17-44101454-G-A.
Other names: c.2248G>A, p.Gly750Ser (NM_001123066.4); c.1156G>A, p.Gly386Ser (NM_001123067.4); c.1063G>A, p.Gly355Ser (NM_001203251.2); c.1150G>A, p.Gly384Ser (NM_001203252.2); c.2128G>A, p.Gly710Ser (NM_001377266.1); c.976G>A, p.Gly326Ser (NM_001377268.1, NM_016841.5); c.1243G>A, p.Gly415Ser (NM_005910.6); c.1069G>A, p.Gly357Ser (NM_016834.5); and 2 more; short protein forms G357S, G415S, G384S, G750S, G326S, G355S, G732S, G386S.
Identifiers: ClinVar variation 2152289 (VCV002152289.4), dbSNP rs768841567, ClinGen allele CA8618268.

ClinVar aggregate classification (germline): Uncertain significance (1 of 4 stars; one submission).

Conditions:
Frontotemporal dementia (FTD1). Also called: Frontotemporal Dementia with Parkinsonism-17 (FTDP-17); Frontotemporal lobe dementia (FLDEM); WILHELMSEN-LYNCH DISEASE; Dementia, frontotemporal, with or without parkinsonism; FRONTOTEMPORAL DEMENTIA WITH PARKINSONISM; FRONTOTEMPORAL LOBE DEMENTIA. Identifiers: Orphanet 282, MedGen C0338451, MONDO:0017276, OMIM 600274, HP:0002145.

Allele frequency attached by ClinVar (database versions not stated): gnomAD 0.00001; ExAC 0.00002; gnomAD exomes 0.00002; TOPMed 0.00002.
gnomAD v4.1: 32 of 1,613,990 alleles (0.002%); highest among the groups gnomAD compares: South Asian, 0.0033%; no homozygotes.

Submission:

Labcorp Genetics (formerly Invitae), Labcorp
Classification: Uncertain significance for Frontotemporal dementia. Last evaluated: 2025-12-10. Review status: criteria provided, single submitter. Criteria: Invitae Variant Classification Sherloc (09022015). Collection method: clinical testing. Allele origin: germline.
Comment: This sequence change replaces glycine, which is neutral and non-polar, with serine, which is neutral and polar, at codon 415 of the MAPT protein (p.Gly415Ser). The frequency data for this variant in the population databases is considered unreliable, as metrics indicate poor data quality at this position in the gnomAD database. This missense change has been observed in individual(s) with clinical features of MAPT-related conditions (PMID: 30279455). ClinVar contains an entry for this variant (Variation ID: 2152289). Invitae Evidence Modeling of protein sequence and biophysical properties (such as structural, functional, and spatial information, amino acid conservation, physicochemical variation, residue mobility, and thermodynamic stability) indicates that this missense variant is expected to disrupt MAPT protein function with a positive predictive value of 80%. In summary, the available evidence is currently insufficient to determine the role of this variant in disease. Therefore, it has been classified as a Variant of Uncertain Significance.

Literature cited by the submitters: PubMed 30279455.